The following is an entry in ClinVar:

NM_001903.5(CTNNA1):c.1294G>T (p.Glu432Ter)

Gene: CTNNA1 (catenin alpha 1; plus strand). Cytogenetic location: 5q31.2.
Variant type: single nucleotide variant.
Coding change: c.1294G>T on transcript NM_001903.5 (MANE Select); coding-DNA position 1294, G replaced by T.
Protein change: p.Glu432Ter; replaces glutamic acid 432 with a stop codon.
Molecular consequence: nonsense. On other transcripts: 5 prime UTR variant (5), intron variant (2).
Genome position (GRCh38, 1-based): chr5:138,887,640, G>T. VCF-style: chr5-138887640-G-T. GRCh37 (hg19) VCF-style: chr5-138223329-G-T.
Other names: c.1294G>T, p.Glu432Ter (NM_001290307.3, NM_001323982.2, NM_001323983.1 and 3 more transcripts); c.985G>T, p.Glu329Ter (NM_001290309.3); c.925G>T, p.Glu309Ter (NM_001290310.3); c.184G>T, p.Glu62Ter (NM_001290312.1, NM_001323997.1, NM_001323998.1 and 18 more transcripts); c.-214G>T (NM_001324006.1, NM_001324007.1, NM_001324008.1 and 1 more transcripts); c.-89G>T (NM_001324013.1); c.-58+12043G>T (NM_001324012.1); c.-61+12043G>T (NM_001324010.1); short protein forms E329*, E432*, E62*, E309*.
Identifiers: ClinVar variation 2847874 (VCV002847874.3), dbSNP rs2533017790, ClinGen allele CA361133272.

ClinVar aggregate classification (germline): Pathogenic (1 of 4 stars; one submission).

Submission:

Labcorp Genetics (formerly Invitae), Labcorp
Classification: Pathogenic. Last evaluated: 2023-05-15. Review status: criteria provided, single submitter. Criteria: Invitae Variant Classification Sherloc (09022015). Collection method: clinical testing. Allele origin: germline.
Comment: For these reasons, this variant has been classified as Pathogenic. This variant has not been reported in the literature in individuals affected with CTNNA1-related conditions. This variant is not present in population databases (gnomAD no frequency). This sequence change creates a premature translational stop signal (p.Glu432*) in the CTNNA1 gene. It is expected to result in an absent or disrupted protein product. Loss-of-function variants in CTNNA1 are known to be pathogenic (PMID: 32051609, 34425242).

Literature cited by the submitters: PubMed 32051609; PubMed 34425242.